The following is an entry in ClinVar:

NM_001904.4(CTNNB1):c.1981C>T (p.Arg661Ter)

Gene: CTNNB1 (catenin beta 1; plus strand). Cytogenetic location: 3p22.1.
Variant type: single nucleotide variant.
Coding change: c.1981C>T on transcript NM_001904.4 (MANE Select); coding-DNA position 1981, C replaced by T.
Protein change: p.Arg661Ter; replaces arginine 661 with a stop codon.
Molecular consequence: nonsense.
Genome position (GRCh38, 1-based): chr3:41,236,614, C>T. VCF-style: chr3-41236614-C-T. GRCh37 (hg19) VCF-style: chr3-41278105-C-T.
Other names: c.1981C>T, p.Arg661Ter (NM_001098209.2, NM_001098210.2); c.1960C>T, p.Arg654Ter (NM_001330729.2); short protein forms R661*, R654*.
Identifiers: ClinVar variation 429824 (VCV000429824.17), dbSNP rs748294403, ClinGen allele CA352236480.

ClinVar aggregate classification (germline): Pathogenic/Likely pathogenic. Review status: criteria provided, multiple submitters, no conflicts (2 of 4 stars). 9 submissions from 9 submitters: Pathogenic (5); Likely pathogenic (2). 2 of the submissions do not count toward it. Last evaluated 2025-05-08.

Conditions:
CTNNB1-related neurodevelopmental disorder and/or vitreoretinopathy. Identifiers: MedGen CN377755, MONDO:0100571.
Severe intellectual disability-progressive spastic diplegia syndrome (NEDSDV). Also called: NEURODEVELOPMENTAL DISORDER WITH SPASTIC DIPLEGIA AND VISUAL DEFECTS; CTNNB1 Neurodevelopmental Disorder. Identifiers: Orphanet 404473, MedGen C3554449, MONDO:0014035, OMIM 615075.
CTNNB1-related disorder. Also called: CTNNB1-related condition.
Inborn genetic diseases. Identifiers: MedGen C0950123, MeSH D030342.
Global developmental delay (DD). Also called: Cognitive delay. Identifiers: MedGen C0557874, HP:0001263. Disease mechanism: loss of function.

Submissions (9):

Labcorp Genetics (formerly Invitae), Labcorp
Classification: Pathogenic. Last evaluated: 2025-05-08. Review status: criteria provided, single submitter. Criteria: Invitae Variant Classification Sherloc (09022015). Collection method: clinical testing. Allele origin: germline.
Comment: This sequence change creates a premature translational stop signal (p.Arg661*) in the CTNNB1 gene. It is expected to result in an absent or disrupted protein product. Loss-of-function variants in CTNNB1 are known to be pathogenic (PMID: 23033978, 24614104, 25326669, 26350204, 28575650). This variant is not present in population databases (gnomAD no frequency). This premature translational stop signal has been observed in individual(s) with microcephaly, developmental delay and other CTNNB1-related phenotypes (PMID: 27915094). In at least one individual the variant was observed to be de novo. ClinVar contains an entry for this variant (Variation ID: 429824). For these reasons, this variant has been classified as Pathogenic.

Ambry Genetics
Classification: Pathogenic for Inborn genetic diseases. Last evaluated: 2025-03-19. Review status: criteria provided, single submitter. Criteria: Ambry Variant Classification Scheme 2023. Collection method: clinical testing. Allele origin: germline.
Comment: The c.1981C>T (p.R661*) alteration, located in exon 13 (coding exon 12) of the CTNNB1 gene, consists of a C to T substitution at nucleotide position 1981. This changes the amino acid from a arginine (R) to a stop codon at amino acid position 661. This alteration is expected to result in loss of function by premature protein truncation or nonsense-mediated mRNA decay. This variant was not reported in population-based cohorts in the Genome Aggregation Database (gnomAD). This variant was reported in individuals with features consistent with CTNNB1-related neurodevelopmental disorder +/- exudative vitreoretinopathy; in at least one individual, it was determined to be de novo (Kharbanda, 2017; Kayumi, 2022; Huang, 2023). Based on the available evidence, this alteration is classified as pathogenic.

Division of Genetic & Genomic Pathology, Hong Kong Children's Hospital
Classification: Likely pathogenic for CTNNB1-related neurodevelopmental disorder and/or vitreoretinopathy. Last evaluated: 2024-06-20. Review status: criteria provided, single submitter. Criteria: ACMG Guidelines, 2015. Collection method: clinical testing. Allele origin: germline. Affected: yes.
Comment: The CTNNB1 c.1981C>T p.(Arg661Ter) nonsense variant is located in exon 13 out of 15 exons. It is predicted to cause loss of normal protein function by nonsense-mediated mRNA decay. The variant is absent in the population databases (gnomAD v4.1.0). It is deposited in ClinVar as pathogenic/likely pathogenic (accession no. VCV000429824.12). It has been reported de novo in at least two patients with CTNNB1-related neurodevelopmental disorder (PMID: 27915094, 36790797). For these reasons, this variant is classified as likely pathogenic.

Human Genetics Bochum, Ruhr University Bochum
Classification: Likely pathogenic for Global developmental delay. Last evaluated: 2022-08-26. Review status: criteria provided, single submitter. Criteria: ACMG Guidelines, 2015. Collection method: clinical testing. Allele origin: germline. Affected: yes.
Comment: ACMG criteria used to clasify this variant: PVS1, PM2_SUP

GeneDx
Classification: Pathogenic. Last evaluated: 2021-04-01. Review status: criteria provided, single submitter. Criteria: GeneDx Variant Classification Process June 2021. Collection method: clinical testing. Allele origin: germline. Affected: yes.
Comment: Nonsense variant predicted to result in protein truncation or nonsense mediated decay in a gene for which loss-of-function is a known mechanism of disease; Not observed in large population cohorts (Lek et al., 2016); This variant is associated with the following publications: (PMID: 28135719, 27915094, 25533962, 28191890)

Victorian Clinical Genetics Services, Murdoch Childrens Research Institute
Classification: Pathogenic for Severe intellectual disability-progressive spastic diplegia syndrome. Last evaluated: 2020-05-21. Review status: criteria provided, single submitter. Criteria: ACMG Guidelines, 2015. Collection method: clinical testing. Allele origin: germline. Inheritance: Autosomal dominant inheritance. Affected: yes.
Comment: Based on the classification scheme VCGS_Germline_v0.6.1, this variant is classified as Pathogenic. Following criteria are met: 0102 - Loss of function is a known mechanism of disease for this gene. (N) 0104 - Mechanism of disease for this gene is dominant negative. (N) 0107 - This gene is known to be associated with autosomal dominant disease. (N) 0201 - Variant is predicted to cause nonsense-mediated decay (NMD) and loss of protein (exon 13 of 15). (P) 0301 - Variant is absent from gnomAD. (P) 0401 - Variant is located in a gene associated with a severe early onset dominant condition that is intolerant to loss-of-function variants. (P) 0702 - Comparable variant in relevant codon/region has strong previous evidence for pathogenicity. Other variants predicted to cause NMD have been reported as pathogenic in individuals with this condition (ClinVar). (P) 0802 - Moderate previous evidence of pathogenicity in unrelated individuals. It has been previously reported in patients with neurodevelopmental disorder with spastic diplegia and visual defects (ClinVar; Decipher; LOVD; PMID: 27848944). (P) 0905 - No published segregation evidence has been identified for this variant. (N) 1007 - No published functional evidence has been identified for this variant. (N) 1208 - Inheritance information for this variant is not currently available. (N) Legend: (P) - Pathogenic, (N) - Neutral, (B) - Benign

Rady Children's Institute for Genomic Medicine, Rady Children's Hospital San Diego
Classification: Pathogenic for CTNNB1-related disorders. Review status: criteria provided, single submitter. Criteria: ACMG Guidelines, 2015. Collection method: clinical testing. Allele origin: germline. Affected: yes.
Comment: This nonsense variant found in exon 13 of 15 is predicted to result in loss of normal protein function through either protein truncation or nonsense-mediated mRNA decay (NMD). This variant has been previously reported as a de novo heterozygous change in patients with intellectual disability, neurodevelopmental disorder, dysmorphic features, motor delay, short stature, speech delay, and autistic features (PMID: 27915094, 25533962, 28191890, 28135719, 31785789). Missense variation at the same amino acid residue has been previously reported in individuals with autism and neurodevelopmental delay (PMID: 31785789, 31981491). Loss-of-function variation in CTNNB1 is an established mechanism of disease (PMID: 27915094, 35593792). The c.1981C>T (p.Arg661Ter) variant is absent from the gnomAD population database and thus is presumed to be rare. Analysis of the parental samples was negative for the variant, indicating this variant likely occurred as a de novo event. Based on the available evidence, the c.1981C>T (p.Arg661Ter) variant is classified as Pathogenic.

Department of Genetics, Rouen University Hospital, Normandy Center for Genomic and Personalized Medicine
Classification: Pathogenic for Severe intellectual disability-progressive spastic diplegia syndrome. Last evaluated: 2020-09-14. Review status: no assertion criteria provided. Collection method: clinical testing. Allele origin: de novo. Affected: yes. Not counted in ClinVar's aggregate classification.

Biochemical Molecular Genetic Laboratory, King Abdulaziz Medical City
Classification: Likely pathogenic for Severe intellectual disability-progressive spastic diplegia syndrome. Last evaluated: 2019-09-26. Review status: no assertion criteria provided. Collection method: clinical testing. Allele origin: germline. Affected: yes. Not counted in ClinVar's aggregate classification.

Literature cited by the submitters: PubMed 23033978 (cited by Labcorp Genetics (formerly Invitae), Labcorp); PubMed 24614104 (cited by Labcorp Genetics (formerly Invitae), Labcorp); PubMed 25326669 (cited by Labcorp Genetics (formerly Invitae), Labcorp); PubMed 26350204 (cited by Labcorp Genetics (formerly Invitae), Labcorp); PubMed 28575650 (cited by Labcorp Genetics (formerly Invitae), Labcorp); PubMed 27915094 (cited by 3 submitters); PubMed 36083290 (cited by Ambry Genetics); PubMed 36790797 (cited by Ambry Genetics and Division of Genetic & Genomic Pathology, Hong Kong Children's Hospital); PubMed 27848944 (cited by Victorian Clinical Genetics Services, Murdoch Childrens Research Institute).